The following is an entry in ClinVar:

ClinVar aggregate classification (germline): Uncertain significance (1 of 4 stars; one submission).

gnomAD v4.1: 7 of 1,614,200 alleles (0.00043%); highest among the groups gnomAD compares: East Asian, 0.013%; no homozygotes.

Submission:

Labcorp Genetics (formerly Invitae), Labcorp
Classification: Uncertain significance. Last evaluated: 2025-12-23. Review status: criteria provided, single submitter. Criteria: Invitae Variant Classification Sherloc (09022015). Collection method: clinical testing. Allele origin: germline.
Comment: This sequence change replaces valine, which is neutral and non-polar, with leucine, which is neutral and non-polar, at codon 208 of the ANXA11 protein (p.Val208Leu). This variant is present in population databases (rs776582676, gnomAD 0.02%). This variant has not been reported in the literature in individuals affected with ANXA11-related conditions. An algorithm developed to predict the effect of missense changes on protein structure and function (PolyPhen-2) suggests that this variant is likely to be disruptive. In summary, the available evidence is currently insufficient to determine the role of this variant in disease. Therefore, it has been classified as a Variant of Uncertain Significance.

NM_145868.2(ANXA11):c.622G>C (p.Val208Leu)

Gene: ANXA11 (annexin A11; minus strand). Cytogenetic location: 10q22.3.
Variant type: single nucleotide variant.
Coding change: c.622G>C on transcript NM_145868.2 (MANE Select); coding-DNA position 622, G replaced by C.
Protein change: p.Val208Leu; replaces valine 208 with leucine.
Molecular consequence: missense variant.
Genome position (GRCh38, 1-based): chr10:80,167,253, C>G on the plus strand (G>C on the coding strand, the complement: ANXA11 is on the minus strand). VCF-style: chr10-80167253-C-G. GRCh37 (hg19) VCF-style: chr10-81927009-C-G.
Other names: c.622G>C, p.Val208Leu (NM_001157.3, NM_001278407.2, NM_001278408.2 and 1 more transcripts); c.523G>C, p.Val175Leu (NM_001278409.2); short protein forms V208L, V175L.
Identifiers: ClinVar variation 4780300 (VCV004780300.1).